The following is an entry in ClinVar:

NM_000302.4(PLOD1):c.1463G>A (p.Arg488Gln)

Gene: PLOD1 (procollagen-lysine,2-oxoglutarate 5-dioxygenase 1; plus strand). Cytogenetic location: 1p36.22.
Variant type: single nucleotide variant.
Coding change: c.1463G>A on transcript NM_000302.4 (MANE Select); coding-DNA position 1463, G replaced by A.
Protein change: p.Arg488Gln; replaces arginine 488 with glutamine.
Molecular consequence: missense variant.
Genome position (GRCh38, 1-based): chr1:11,964,778, G>A. VCF-style: chr1-11964778-G-A. GRCh37 (hg19) VCF-style: chr1-12024835-G-A.
Other names: p.Arg488Gln; c.1604G>A, p.Arg535Gln (NM_001316320.2); c.1463G>A (NM_000302.3); short protein forms R488Q, R535Q.
Identifiers: ClinVar variation 2052333 (VCV002052333.4), dbSNP rs775776634, ClinGen allele CA598393.

ClinVar aggregate classification (germline): Uncertain significance. Review status: criteria provided, multiple submitters, no conflicts (2 of 4 stars). 3 submissions from 3 submitters: Uncertain significance (3). Last evaluated 2024-12-17.

Conditions:
Ehlers-Danlos syndrome, kyphoscoliotic type 1 (EDSKSCL1). Also called: PLOD1-Related Kyphoscoliotic Ehlers-Danlos Syndrome; Ehlers-Danlos syndrome, hydroxylysine-deficient; EHLERS-DANLOS SYNDROME, OCULAR-SCOLIOTIC TYPE; EHLERS-DANLOS SYNDROME, TYPE VIA. Identifiers: Orphanet 1900, MedGen C0268342, MONDO:0016002, OMIM 225400. Disease mechanism: loss of function.
Familial thoracic aortic aneurysm and aortic dissection (TAAD). Also called: Thoracic aortic aneurysms and dissections. Identifiers: Orphanet 91387, MedGen C4707243, MONDO:0019625.

Allele frequency attached by ClinVar (database versions not stated): gnomAD exomes below 0.00001; gnomAD 0.00002; ExAC 0.00004.
gnomAD v4.1: 8 of 1,613,582 alleles (0.0005%); highest among the groups gnomAD compares: East Asian, 0.0067%; no homozygotes.

Submissions (3):

Ambry Genetics
Classification: Uncertain significance for Familial thoracic aortic aneurysm and aortic dissection. Last evaluated: 2024-12-17. Review status: criteria provided, single submitter. Criteria: Ambry Variant Classification Scheme 2023. Collection method: clinical testing. Allele origin: germline.
Comment: The p.R488Q variant (also known as c.1463G>A), located in coding exon 13 of the PLOD1 gene, results from a G to A substitution at nucleotide position 1463. The arginine at codon 488 is replaced by glutamine, an amino acid with highly similar properties. This amino acid position is conserved. In addition, this alteration is predicted to be deleterious by in silico analysis. Based on the available evidence, the clinical significance of this variant remains unclear.

Mayo Clinic Laboratories, Mayo Clinic
Classification: Uncertain significance. Last evaluated: 2024-03-07. Review status: criteria provided, single submitter. Criteria: ACMG Guidelines, 2015. Collection method: clinical testing. Allele origin: germline. Observed: 1 variant allele.
Comment: PP3

Labcorp Genetics (formerly Invitae), Labcorp
Classification: Uncertain significance for Ehlers-Danlos syndrome, kyphoscoliotic type 1. Last evaluated: 2022-02-07. Review status: criteria provided, single submitter. Criteria: Invitae Variant Classification Sherloc (09022015). Collection method: clinical testing. Allele origin: germline.
Comment: This sequence change replaces arginine, which is basic and polar, with glutamine, which is neutral and polar, at codon 488 of the PLOD1 protein (p.Arg488Gln). This variant is present in population databases (rs775776634, gnomAD 0.03%). This variant has not been reported in the literature in individuals affected with PLOD1-related conditions. Algorithms developed to predict the effect of missense changes on protein structure and function are either unavailable or do not agree on the potential impact of this missense change (SIFT: "Deleterious"; PolyPhen-2: "Benign"; Align-GVGD: "Class C35"). Algorithms developed to predict the effect of sequence changes on RNA splicing suggest that this variant may create or strengthen a splice site. In summary, the available evidence is currently insufficient to determine the role of this variant in disease. Therefore, it has been classified as a Variant of Uncertain Significance.